The following is an entry in ClinVar:

NM_015909.4(NBAS):c.1600-1G>A

Gene: NBAS (NBAS subunit of NRZ tethering complex; minus strand). Cytogenetic location: 2p24.3.
Variant type: single nucleotide variant.
Coding change: c.1600-1G>A on transcript NM_015909.4 (MANE Select); the canonical splice acceptor site of the intron before coding-DNA position 1600, G replaced by A.
Molecular consequence: splice acceptor variant.
Genome position (GRCh38, 1-based): chr2:15,473,348, C>T on the plus strand (G>A on the coding strand, the complement: NBAS is on the minus strand). VCF-style: chr2-15473348-C-T. GRCh37 (hg19) VCF-style: chr2-15613472-C-T.
Identifiers: ClinVar variation 1496863 (VCV001496863.6), dbSNP rs144190399, ClinGen allele CA1536613.

ClinVar aggregate classification (germline): Likely pathogenic (1 of 4 stars; one submission).

Allele frequency attached by ClinVar (database versions not stated): gnomAD exomes below 0.00001; ExAC 0.00001; TOPMed 0.00002; ESP Exome Variant Server 0.00015.
gnomAD v4.1: 2 of 1,613,678 alleles (0.00012%); highest among the groups gnomAD compares: African/African-American, 0.0013%; no homozygotes.

Submission:

Labcorp Genetics (formerly Invitae), Labcorp
Classification: Likely pathogenic. Last evaluated: 2024-01-31. Review status: criteria provided, single submitter. Criteria: Invitae Variant Classification Sherloc (09022015). Collection method: clinical testing. Allele origin: germline.
Comment: This sequence change affects an acceptor splice site in intron 15 of the NBAS gene. It is expected to disrupt RNA splicing. Variants that disrupt the donor or acceptor splice site typically lead to a loss of protein function (PMID: 16199547), and loss-of-function variants in NBAS are known to be pathogenic (PMID: 26073778, 26541327, 27789416, 28031453). This variant is present in population databases (rs144190399, gnomAD 0.007%). This variant has not been reported in the literature in individuals affected with NBAS-related conditions. ClinVar contains an entry for this variant (Variation ID: 1496863). Algorithms developed to predict the effect of sequence changes on RNA splicing suggest that this variant may disrupt the consensus splice site. In summary, the currently available evidence indicates that the variant is pathogenic, but additional data are needed to prove that conclusively. Therefore, this variant has been classified as Likely Pathogenic.

Literature cited by the submitters: PubMed 16199547; PubMed 26073778; PubMed 26541327; PubMed 27789416; PubMed 28031453.